The following is an entry in ClinVar:

NM_004855.5(PIGB):c.1413T>A (p.Asp471Glu)

Gene: PIGB (phosphatidylinositol glycan anchor biosynthesis class B; plus strand). Cytogenetic location: 15q21.3.
Variant type: single nucleotide variant.
Coding change: c.1413T>A on transcript NM_004855.5 (MANE Select); coding-DNA position 1413, T replaced by A.
Protein change: p.Asp471Glu; replaces aspartic acid 471 with glutamic acid.
Molecular consequence: missense variant.
Genome position (GRCh38, 1-based): chr15:55,354,873, T>A. VCF-style: chr15-55354873-T-A. GRCh37 (hg19) VCF-style: chr15-55647071-T-A.
Other names: short protein forms D471E.
Identifiers: ClinVar variation 1364839 (VCV001364839.6), dbSNP rs766918801, ClinGen allele CA7574093.
Genomic context (GRCh38, chr15:55,354,873, plus strand): 5'-ACTTCCCATGAGATTTCTCCAGTGCCCGCCAGACCTGACTGGAAAAAGTCATTATCTTGA[T>A]GAAGCAGATGTATTTTACCTAAATCCCTTAAACTGGTTACATAGAGAGTTTCATGATGAT-3'
Protein context (NP_004846.4, residues 461-481): PDLTGKSHYL[Asp471Glu]EADVFYLNPL

ClinVar aggregate classification (germline): Uncertain significance (1 of 4 stars; one submission).

Allele frequency attached by ClinVar (database versions not stated): ExAC 0.00001; gnomAD 0.00001; gnomAD exomes 0.00001; TOPMed 0.00003.
gnomAD v4.1: 8 of 1,613,688 alleles (0.0005%); highest among the groups gnomAD compares: Admixed American, 0.01%; no homozygotes.

Submission:

Labcorp Genetics (formerly Invitae), Labcorp
Classification: Uncertain significance. Last evaluated: 2024-12-02. Review status: criteria provided, single submitter. Criteria: Invitae Variant Classification Sherloc (09022015). Collection method: clinical testing. Allele origin: germline.
Comment: This sequence change replaces aspartic acid, which is acidic and polar, with glutamic acid, which is acidic and polar, at codon 471 of the PIGB protein (p.Asp471Glu). This variant is present in population databases (rs766918801, gnomAD 0.009%). This variant has not been reported in the literature in individuals affected with PIGB-related conditions. ClinVar contains an entry for this variant (Variation ID: 1364839). Invitae Evidence Modeling of protein sequence and biophysical properties (such as structural, functional, and spatial information, amino acid conservation, physicochemical variation, residue mobility, and thermodynamic stability) indicates that this missense variant is not expected to disrupt PIGB protein function with a negative predictive value of 80%. In summary, the available evidence is currently insufficient to determine the role of this variant in disease. Therefore, it has been classified as a Variant of Uncertain Significance.